The following is an entry in ClinVar:

NM_145038.5(DRC1):c.1471del (p.Thr491fs)

Gene: DRC1 (dynein regulatory complex subunit 1; plus strand). Cytogenetic location: 2p23.3.
Variant type: Deletion.
Coding change: c.1471del on transcript NM_145038.5 (MANE Select); coding-DNA position 1471, one base deleted (A; older notation c.1471delA).
Protein change: p.Thr491fs; shifts the reading frame from threonine 491.
Molecular consequence: frameshift variant.
Genome position (GRCh38, 1-based): chr2:26,448,765, A deleted; the last of 6 consecutive A bases (chr2:26,448,760-26,448,765); deleting any one gives the same sequence. VCF-style (leftmost placement, unchanged base first): chr2-26448759-GA-G. GRCh37 (hg19) VCF-style: chr2-26671627-GA-G.
Other names: short protein forms T491fs.
Identifiers: ClinVar variation 1071918 (VCV001071918.7), dbSNP rs2148003690, ClinGen allele CA2499215835.

ClinVar aggregate classification (germline): Pathogenic (1 of 4 stars; one submission).

Conditions:
Primary ciliary dyskinesia. Also called: Ciliary dyskinesia. Identifiers: Orphanet 244, MedGen C0008780, MONDO:0016575, HP:0012265.

Submission:

Labcorp Genetics (formerly Invitae), Labcorp
Classification: Pathogenic for Primary ciliary dyskinesia. Last evaluated: 2020-03-10. Review status: criteria provided, single submitter. Criteria: Invitae Variant Classification Sherloc (09022015). Collection method: clinical testing. Allele origin: germline.
Comment: This variant is not present in population databases (ExAC no frequency). For these reasons, this variant has been classified as Pathogenic. Loss-of-function variants in DRC1 are known to be pathogenic (PMID: 23354437, 31960620). This variant has not been reported in the literature in individuals with DRC1-related conditions. This sequence change creates a premature translational stop signal (p.Thr491Leufs*6) in the DRC1 gene. It is expected to result in an absent or disrupted protein product.

Literature cited by the submitters: PubMed 23354437; PubMed 31960620.